The following is an entry in ClinVar:

NM_000071.3(CBS):c.1067T>C (p.Val356Ala)

Gene: CBS (cystathionine beta-synthase; minus strand). Cytogenetic location: 21q22.3.
Variant type: single nucleotide variant.
Coding change: c.1067T>C on transcript NM_000071.3 (MANE Select); coding-DNA position 1067, T replaced by C.
Protein change: p.Val356Ala; replaces valine 356 with alanine.
Molecular consequence: missense variant.
Genome position (GRCh38, 1-based): chr21:43,060,519, A>G on the plus strand (T>C on the coding strand, the complement: CBS is on the minus strand). VCF-style: chr21-43060519-A-G. GRCh37 (hg19) VCF-style: chr21-44480629-A-G.
Other names: c.1067T>C, p.Val356Ala (NM_001178008.3, NM_001178009.3, NM_001320298.2); c.752T>C, p.Val251Ala (NM_001321072.1); short protein forms V356A, V251A.
Identifiers: ClinVar variation 519591 (VCV000519591.7), dbSNP rs370163789, ClinGen allele CA321689820.
Genomic context (GRCh38, chr21:43,060,519, plus strand): 5'-TCGGGCAGAATGACCACGCAGCGCTGGCCCTCCTGCAGCTCCTGCGCGGCCTTCACGGCC[A>G]CCGCCACCGTGCTGCCAGCACTGCCACCTGCAGAGAGGGCCACGAGTCAGACGCGCCAGG-3'
Protein context (NP_000062.1, residues 346-366): CGGSAGSTVA[Val356Ala]AVKAAQELQE

ClinVar aggregate classification (germline): Uncertain significance. Review status: criteria provided, multiple submitters, no conflicts (2 of 4 stars). 3 submissions from 3 submitters: Uncertain significance (2). 1 of the submissions does not count toward it. Last evaluated 2024-10-15.

Conditions:
Classic homocystinuria. Also called: Homocystinuria due to CBS deficiency; Cystathionine beta-synthase deficiency; CBS deficiency; Homocystinuria due to Cystathionine Beta-Synthase Deficiency; HOMOCYSTINURIA WITH OR WITHOUT RESPONSE TO PYRIDOXINE. Identifiers: Orphanet 394, MedGen C0751202, MONDO:0009352, OMIM 236200.
Familial thoracic aortic aneurysm and aortic dissection (TAAD). Also called: Thoracic aortic aneurysms and dissections. Identifiers: Orphanet 91387, MedGen C4707243, MONDO:0019625.

Allele frequency attached by ClinVar (database versions not stated): gnomAD exomes below 0.00001; gnomAD 0.00006.

Submissions (3):

Women's Health and Genetics/Laboratory Corporation of America, LabCorp
Classification: Uncertain significance. Last evaluated: 2024-10-15. Review status: criteria provided, single submitter. Criteria: LabCorp Variant Classification Summary - May 2015. Collection method: clinical testing. Allele origin: germline.
Comment: Variant summary: CBS c.1067T>C (p.Val356Ala) results in a non-conservative amino acid change located in the Tryptophan synthase beta chain-like, PALP domain (IPR001926) of the encoded protein sequence. Four of five in-silico tools predict a benign effect of the variant on protein function. The variant allele was found at a frequency of 4.2e-06 in 238714 control chromosomes. The available data on variant occurrences in the general population are insufficient to allow any conclusion about variant significance. To our knowledge, no occurrence of c.1067T>C in individuals affected with Homocystinuria has been reported. At least one publication reports experimental evidence evaluating an impact on protein function. These results showed no impact on growth in a S. cerevisiae model (example, Dimster-Denk_2013, Kasak_2019). The following publications have been ascertained in the context of this evaluation (PMID: 23934999, 31301157). ClinVar contains an entry for this variant (Variation ID: 519591). Based on the evidence outlined above, the variant was classified as uncertain significance.

Ambry Genetics
Classification: Uncertain significance for Familial thoracic aortic aneurysm and aortic dissection. Last evaluated: 2016-12-21. Review status: criteria provided, single submitter. Criteria: Ambry Variant Classification Scheme 2023. Collection method: clinical testing. Allele origin: germline.
Comment: The p.V356A variant (also known as c.1067T>C), located in coding exon 10 of the CBS gene, results from a T to C substitution at nucleotide position 1067. The valine at codon 356 is replaced by alanine, an amino acid with similar properties. This variant was included in a study of CBS alterations' B6 cofactor sensitivity and was reported as having no significant differences versus wild-type in yeast culture growth rate at increasing pyridoxine concentrations (Dimster-Denk D et al. G3 (Bethesda), 2013 Oct;3:1619-28). This amino acid position is not well conserved in available vertebrate species, and alanine is the reference amino acid in other vertebrate species. In addition, the in silico prediction for this alteration is inconclusive. Since supporting evidence is limited at this time, the clinical significance of this alteration remains unclear.

Natera, Inc.
Classification: Uncertain significance for Homocystinuria due to cystathionine beta-synthase deficiency. Last evaluated: 2020-09-16. Review status: no assertion criteria provided. Collection method: clinical testing. Allele origin: germline. Not counted in ClinVar's aggregate classification.

Literature cited by the submitters: PubMed 23934999 (cited by Women's Health and Genetics/Laboratory Corporation of America, LabCorp and Ambry Genetics); PubMed 31301157 (cited by Women's Health and Genetics/Laboratory Corporation of America, LabCorp).